The following is an entry in ClinVar:

NM_018662.3(DISC1):c.2263C>T (p.His755Tyr)

Genes: DISC1 (DISC1 scaffold protein; plus strand), TSNAX-DISC1 (TSNAX-DISC1 readthrough (NMD candidate); plus strand). Cytogenetic location: 1q42.2.
Variant type: single nucleotide variant.
Coding change: c.2263C>T on transcript NM_018662.3 (MANE Select); coding-DNA position 2263, C replaced by T.
Protein change: p.His755Tyr; replaces histidine 755 with tyrosine.
Molecular consequence: missense variant. On other transcripts: non-coding transcript variant (1), 3 prime UTR variant (2), intron variant (1).
Genome position (GRCh38, 1-based): chr1:232,009,005, C>T. VCF-style: chr1-232009005-C-T. GRCh37 (hg19) VCF-style: chr1-232144751-C-T.
Other names: c.2359C>T, p.His787Tyr (NM_001164537.2); c.2263C>T, p.His755Tyr (NM_001164538.2); c.1897C>T, p.His633Tyr (NM_001164540.2); c.*114C>T (NM_001164541.2); c.*236C>T (NM_001164547.2); c.2241+22C>T (NM_001012957.2); short protein forms H633Y, H755Y, H787Y.
Identifiers: ClinVar variation 3039328 (VCV003039328.2), dbSNP rs61737326, ClinGen allele CA1454223.
Genomic context (GRCh38, chr1:232,009,005, plus strand): 5'-AGGCTCCACTCCGAGGATAAAAGGAAGACCCCTTTGAAGGTATTGGAAGAATGGAAGACT[C>T]ACCTCATCCCCTCTCTGCACTGTGCTGGAGGTGAACAGAAAGAGGTCTGTCCTTTTCACA-3'
Protein context (NP_061132.2, residues 745-765): PLKVLEEWKT[His755Tyr]LIPSLHCAGG

ClinVar aggregate classification (germline): Benign (0 of 4 stars; one submission).

Conditions:
DISC1-related disorder. Also called: DISC1-related condition.

Allele frequency attached by ClinVar (database versions not stated): gnomAD exomes 0.00023; ExAC 0.00080; ESP Exome Variant Server 0.00215; gnomAD 0.00231; 1000 Genomes Project 30x 0.00281; TOPMed 0.00298; 1000 Genomes Project 0.00300.
gnomAD v4.1: 703 of 1,613,924 alleles (0.044%); highest among the groups gnomAD compares: African/African-American, 0.8%; 5 homozygotes.

Submission:

PreventionGenetics, part of Exact Sciences
Classification: Benign for DISC1-related condition. Last evaluated: 2024-01-20. Review status: no assertion criteria provided. Collection method: clinical testing. Allele origin: germline.
Comment: This variant is classified as benign based on ACMG/AMP sequence variant interpretation guidelines (Richards et al. 2015 PMID: 25741868, with internal and published modifications).